The following is an entry in ClinVar:

ClinVar aggregate classification (germline): Uncertain significance (1 of 4 stars; one submission).

Submission:

Labcorp Genetics (formerly Invitae), Labcorp
Classification: Uncertain significance. Last evaluated: 2022-11-22. Review status: criteria provided, single submitter. Criteria: Invitae Variant Classification Sherloc (09022015). Collection method: clinical testing. Allele origin: germline.
Comment: In summary, the available evidence is currently insufficient to determine the role of this variant in disease. Therefore, it has been classified as a Variant of Uncertain Significance. Algorithms developed to predict the effect of missense changes on protein structure and function output the following: SIFT: "Tolerated"; PolyPhen-2: "Benign"; Align-GVGD: "Class C0". The isoleucine amino acid residue is found in multiple mammalian species, which suggests that this missense change does not adversely affect protein function. ClinVar contains an entry for this variant (Variation ID: 1019907). This variant has not been reported in the literature in individuals affected with EYS-related conditions. This variant is not present in population databases (gnomAD no frequency). This sequence change replaces leucine, which is neutral and non-polar, with isoleucine, which is neutral and non-polar, at codon 1339 of the EYS protein (p.Leu1339Ile).

NM_001142800.2(EYS):c.4015C>A (p.Leu1339Ile)

Gene: EYS (EGF-like photoreceptor maintenance factor; minus strand). Cytogenetic location: 6q12.
Variant type: single nucleotide variant.
Coding change: c.4015C>A on transcript NM_001142800.2 (MANE Select); coding-DNA position 4015, C replaced by A.
Protein change: p.Leu1339Ile; replaces leucine 1339 with isoleucine.
Molecular consequence: missense variant.
Genome position (GRCh38, 1-based): chr6:64,591,852, G>T on the plus strand (C>A on the coding strand, the complement: EYS is on the minus strand). VCF-style: chr6-64591852-G-T. GRCh37 (hg19) VCF-style: chr6-65301745-G-T.
Other names: c.4015C>A, p.Leu1339Ile (NM_001292009.2); short protein forms L1339I.
Identifiers: ClinVar variation 1019907 (VCV001019907.8), dbSNP rs1325494721, ClinGen allele CA364784220.